The following is an entry in ClinVar:

ClinVar aggregate classification (germline): Uncertain significance (1 of 4 stars; one submission).

Conditions:
FG syndrome (FGS). Identifiers: MedGen C0220769, MONDO:0002010.

gnomAD v4.1: 1 of 1,207,948 alleles (0.000083%); highest among the groups gnomAD compares: African/African-American, 0.0018%; no homozygotes.

Submission:

Labcorp Genetics (formerly Invitae), Labcorp
Classification: Uncertain significance for FG syndrome. Last evaluated: 2025-02-15. Review status: criteria provided, single submitter. Criteria: Invitae Variant Classification Sherloc (09022015). Collection method: clinical testing. Allele origin: germline.
Comment: This sequence change replaces proline, which is neutral and non-polar, with alanine, which is neutral and non-polar, at codon 644 of the MED12 protein (p.Pro644Ala). This variant is not present in population databases (gnomAD no frequency). This variant has not been reported in the literature in individuals affected with MED12-related conditions. Invitae Evidence Modeling of protein sequence and biophysical properties (such as structural, functional, and spatial information, amino acid conservation, physicochemical variation, residue mobility, and thermodynamic stability) indicates that this missense variant is not expected to disrupt MED12 protein function with a negative predictive value of 95%. In summary, the available evidence is currently insufficient to determine the role of this variant in disease. Therefore, it has been classified as a Variant of Uncertain Significance.

NM_005120.3(MED12):c.1930C>G (p.Pro644Ala)

Gene: MED12 (mediator complex subunit 12; plus strand). Cytogenetic location: Xq13.1.
Variant type: single nucleotide variant.
Coding change: c.1930C>G on transcript NM_005120.3 (MANE Select); coding-DNA position 1930, C replaced by G.
Protein change: p.Pro644Ala; replaces proline 644 with alanine.
Molecular consequence: missense variant.
Genome position (GRCh38, 1-based): chrX:71,124,344, C>G. VCF-style: chrX-71124344-C-G. GRCh37 (hg19) VCF-style: chrX-70344194-C-G.
Other names: short protein forms P644A.
Identifiers: ClinVar variation 4801063 (VCV004801063.1).